The following is an entry in ClinVar:

NC_000007.13:g.(?_117304722)_(117305638_?)del

Gene: CFTR (CF transmembrane conductance regulator; plus strand). Cytogenetic location: 7q31.2.
Variant type: Deletion.
Identifiers: ClinVar variation 2423162 (VCV002423162.3).

ClinVar aggregate classification (germline): Pathogenic (1 of 4 stars; one submission).

Conditions:
Cystic fibrosis (CF). Also called: MUCOVISCIDOSIS. Identifiers: Orphanet 586, MedGen C0010674, MONDO:0009061, OMIM 219700. Disease mechanism: loss of function.

Submission:

Labcorp Genetics (formerly Invitae), Labcorp
Classification: Pathogenic for Cystic fibrosis. Last evaluated: 2022-10-07. Review status: criteria provided, single submitter. Criteria: Invitae Variant Classification Sherloc (09022015). Collection method: clinical testing. Allele origin: germline.
Comment: This variant is a gross deletion of the genomic region encompassing exon(s) 25-26 of the CFTR gene. This variant would be expected to be in-frame, preserving the integrity of the reading frame. A similar copy number variant has been observed in individual(s) with cystic fibrosis (PMID: 15024729, 16362824, 18683213, 26574590). In at least one individual the data is consistent with being in trans (on the opposite chromosome) from a pathogenic variant. This variant is also known as deletion of exons 22-23. For these reasons, this variant has been classified as Pathogenic.

Literature cited by the submitters: PubMed 15024729; PubMed 16362824; PubMed 18683213; PubMed 26574590.